The following is an entry in ClinVar:

ClinVar aggregate classification (germline): Uncertain significance. Review status: criteria provided, multiple submitters, no conflicts (2 of 4 stars). 2 submissions from 2 submitters: Uncertain significance (2). Last evaluated 2025-12-01.

Conditions:
Cardiovascular phenotype. Identifiers: MedGen CN230736.
Progressive familial heart block type IB (PFHB1B). Identifiers: Orphanet 871, MedGen C1970298, MONDO:0011474, OMIM 604559.

Allele frequency attached by ClinVar (database versions not stated): ExAC 0.00002; ESP Exome Variant Server 0.00008.
gnomAD v4.1: 16 of 1,614,136 alleles (0.00099%); highest among the groups gnomAD compares: Non-Finnish European, 0.0014%; no homozygotes.

Submissions (2):

Labcorp Genetics (formerly Invitae), Labcorp
Classification: Uncertain significance for Progressive familial heart block type IB. Last evaluated: 2025-12-01. Review status: criteria provided, single submitter. Criteria: Invitae Variant Classification Sherloc (09022015). Collection method: clinical testing. Allele origin: germline.
Comment: This sequence change replaces histidine, which is basic and polar, with proline, which is neutral and non-polar, at codon 1128 of the TRPM4 protein (p.His1128Pro). This variant is present in population databases (rs372317201, gnomAD 0.002%). This variant has not been reported in the literature in individuals affected with TRPM4-related conditions. ClinVar contains an entry for this variant (Variation ID: 1525211). An algorithm developed to predict the effect of missense changes on protein structure and function (PolyPhen-2) suggests that this variant is likely to be tolerated. In summary, the available evidence is currently insufficient to determine the role of this variant in disease. Therefore, it has been classified as a Variant of Uncertain Significance.

Ambry Genetics
Classification: Uncertain significance for Cardiovascular phenotype. Last evaluated: 2023-12-04. Review status: criteria provided, single submitter. Criteria: Ambry Variant Classification Scheme 2023. Collection method: clinical testing. Allele origin: germline.
Comment: The p.H1128P variant (also known as c.3383A>C), located in coding exon 22 of the TRPM4 gene, results from an A to C substitution at nucleotide position 3383. The histidine at codon 1128 is replaced by proline, an amino acid with similar properties. This amino acid position is poorly conserved in available vertebrate species. In addition, this alteration is predicted to be tolerated by in silico analysis. Since supporting evidence is limited at this time, the clinical significance of this alteration remains unclear.

NM_017636.4(TRPM4):c.3383A>C (p.His1128Pro)

Gene: TRPM4 (transient receptor potential cation channel subfamily M member 4; plus strand). Cytogenetic location: 19q13.33.
Variant type: single nucleotide variant.
Coding change: c.3383A>C on transcript NM_017636.4 (MANE Select); coding-DNA position 3383, A replaced by C.
Protein change: p.His1128Pro; replaces histidine 1128 with proline.
Molecular consequence: missense variant.
Genome position (GRCh38, 1-based): chr19:49,210,764, A>C. VCF-style: chr19-49210764-A-C. GRCh37 (hg19) VCF-style: chr19-49714021-A-C.
Other names: c.2948A>C, p.His983Pro (NM_001195227.2); c.3038A>C, p.His1013Pro (NM_001321281.2); c.1775A>C, p.His592Pro (NM_001321282.2); c.2861A>C, p.His954Pro (NM_001321283.2); c.2321A>C, p.His774Pro (NM_001321285.2); c.3383A>C (NM_017636.3); short protein forms H1128P, H774P, H1013P, H954P, H983P, H592P.
Identifiers: ClinVar variation 1525211 (VCV001525211.9), dbSNP rs372317201, ClinGen allele CA9569886.